The following is an entry in ClinVar:

ClinVar aggregate classification (germline): Uncertain significance (1 of 4 stars; one submission).

Conditions:
Charcot-Marie-Tooth disease dominant intermediate C (CMTDIC). Also called: CHARCOT-MARIE-TOOTH NEUROPATHY, DOMINANT INTERMEDIATE C. Identifiers: Orphanet 100045, MedGen C1842237, MONDO:0012012, OMIM 608323.

Allele frequency attached by ClinVar (database versions not stated): ESP Exome Variant Server 0.00008; TOPMed below 0.00001.

Submission:

Labcorp Genetics (formerly Invitae), Labcorp
Classification: Uncertain significance for Charcot-Marie-Tooth disease dominant intermediate C. Last evaluated: 2024-12-22. Review status: criteria provided, single submitter. Criteria: Invitae Variant Classification Sherloc (09022015). Collection method: clinical testing. Allele origin: germline.
Comment: This sequence change replaces aspartic acid, which is acidic and polar, with asparagine, which is neutral and polar, at codon 494 of the YARS protein (p.Asp494Asn). This variant is present in population databases (rs367622240, gnomAD 0.007%). This variant has not been reported in the literature in individuals affected with YARS-related conditions. ClinVar contains an entry for this variant (Variation ID: 1681474). Invitae Evidence Modeling of protein sequence and biophysical properties (such as structural, functional, and spatial information, amino acid conservation, physicochemical variation, residue mobility, and thermodynamic stability) indicates that this missense variant is not expected to disrupt YARS protein function with a negative predictive value of 80%. In summary, the available evidence is currently insufficient to determine the role of this variant in disease. Therefore, it has been classified as a Variant of Uncertain Significance.

NM_003680.4(YARS1):c.1480G>A (p.Asp494Asn)

Gene: YARS1 (tyrosyl-tRNA synthetase 1; minus strand). Cytogenetic location: 1p35.1.
Variant type: single nucleotide variant.
Coding change: c.1480G>A on transcript NM_003680.4 (MANE Select); coding-DNA position 1480, G replaced by A.
Protein change: p.Asp494Asn; replaces aspartic acid 494 with asparagine.
Molecular consequence: missense variant.
Genome position (GRCh38, 1-based): chr1:32,776,088, C>T on the plus strand (G>A on the coding strand, the complement: YARS1 is on the minus strand). VCF-style: chr1-32776088-C-T. GRCh37 (hg19) VCF-style: chr1-33241689-C-T.
Other names: short protein forms D494N.
Identifiers: ClinVar variation 1681474 (VCV001681474.8), dbSNP rs367622240, ClinGen allele CA20270683.